The following is an entry in ClinVar:

ClinVar aggregate classification (germline): Benign/Likely benign. Review status: criteria provided, multiple submitters, no conflicts (2 of 4 stars). 4 submissions from 4 submitters: Benign (2); Likely benign (2). Last evaluated 2026-01-28.

Allele frequency attached by ClinVar (database versions not stated): gnomAD exomes 0.00066 and 0.00133; ExAC 0.00333; 1000 Genomes Project 0.00359; 1000 Genomes Project 30x 0.00390; ESP Exome Variant Server 0.00413; gnomAD 0.00432 and 0.00468; TOPMed 0.00511.
gnomAD v4.1: 1,608 of 1,476,616 alleles (0.11%); highest among the groups gnomAD compares: African/African-American, 1.3%; 4 homozygotes.

Submissions (4):

Labcorp Genetics (formerly Invitae), Labcorp
Classification: Benign. Last evaluated: 2026-01-28. Review status: criteria provided, single submitter. Criteria: Invitae Variant Classification Sherloc (09022015). Collection method: clinical testing. Allele origin: germline.

Blueprint Genetics
Classification: Likely benign. Last evaluated: 2024-11-26. Review status: criteria provided, single submitter. Criteria: ACMG Guidelines, 2015. Collection method: clinical testing. Allele origin: germline.

GeneDx
Classification: Likely benign. Last evaluated: 2018-02-16. Review status: criteria provided, single submitter. Criteria: GeneDx Variant Classification (06012015). Collection method: clinical testing. Allele origin: germline. Affected: yes.
Comment: This variant is considered likely benign or benign based on one or more of the following criteria: it is a conservative change, it occurs at a poorly conserved position in the protein, it is predicted to be benign by multiple in silico algorithms, and/or has population frequency not consistent with disease.

PreventionGenetics, part of Exact Sciences
Classification: Benign. Review status: criteria provided, single submitter. Criteria: ACMG Guidelines, 2015. Collection method: clinical testing. Allele origin: germline.

NM_000430.4(PAFAH1B1):c.118-14T>C

Gene: PAFAH1B1 (platelet activating factor acetylhydrolase 1b regulatory subunit 1; plus strand). Cytogenetic location: 17p13.3.
Variant type: single nucleotide variant.
Coding change: c.118-14T>C on transcript NM_000430.4 (MANE Select); 14 bases into the intron before coding-DNA position 118, T replaced by C.
Molecular consequence: intron variant.
Genome position (GRCh38, 1-based): chr17:2,666,002, T>C. VCF-style: chr17-2666002-T-C. GRCh37 (hg19) VCF-style: chr17-2569296-T-C.
Identifiers: ClinVar variation 256109 (VCV000256109.10), dbSNP rs147692085, ClinGen allele CA8283120.